The following is an entry in ClinVar:

NM_182914.3(SYNE2):c.4578-1G>C

Gene: SYNE2 (spectrin repeat containing nuclear envelope protein 2; plus strand). Cytogenetic location: 14q23.2.
Variant type: single nucleotide variant.
Coding change: c.4578-1G>C on transcript NM_182914.3 (MANE Select); the canonical splice acceptor site of the intron before coding-DNA position 4578, G replaced by C.
Molecular consequence: splice acceptor variant.
Genome position (GRCh38, 1-based): chr14:64,009,965, G>C. VCF-style: chr14-64009965-G-C. GRCh37 (hg19) VCF-style: chr14-64476683-G-C.
Other names: c.4578-1G>C (NM_015180.6).
Identifiers: ClinVar variation 4872219 (VCV004872219.2).

ClinVar aggregate classification (germline): Uncertain significance (1 of 4 stars; one submission).

gnomAD v4.1: 1 of 1,613,202 alleles (0.000062%); highest among the groups gnomAD compares: Non-Finnish European, 0.000085%; no homozygotes.

Submission:

CeGaT Center for Human Genetics Tuebingen
Classification: Uncertain significance. Last evaluated: 2026-04-01. Review status: criteria provided, single submitter. Criteria: CeGaT Center For Human Genetics Tuebingen Variant Classification Criteria Version 2. Collection method: clinical testing. Allele origin: germline. Affected: yes. Observed: 1 variant allele.
Comment: SYNE2: PM2